The following is an entry in ClinVar:

NM_014233.4(UBTF):c.1309C>G (p.Leu437Val)

Genes: ATXN7L3-AS1 (ATXN7L3 antisense RNA 1; plus strand), UBTF (upstream binding transcription factor; minus strand), LOC121587595 (Sharpr-MPRA regulatory region 7848; plus strand). Cytogenetic location: 17q21.31.
Variant type: single nucleotide variant.
Coding change: c.1309C>G on transcript NM_014233.4 (MANE Select); coding-DNA position 1309, C replaced by G.
Protein change: p.Leu437Val; replaces leucine 437 with valine.
Molecular consequence: missense variant. On other transcripts: non-coding transcript variant (1).
Genome position (GRCh38, 1-based): chr17:44,210,842, G>C on the plus strand (C>G on the coding strand, the complement: UBTF is on the minus strand). VCF-style: chr17-44210842-G-C. GRCh37 (hg19) VCF-style: chr17-42288210-G-C.
Other names: c.1198C>G, p.Leu400Val (NM_001076683.2, NM_001076684.3); short protein forms L400V, L437V.
Identifiers: ClinVar variation 2326438 (VCV002326438.5), dbSNP rs956926890, ClinGen allele CA290909052.

ClinVar aggregate classification (germline): Uncertain significance. Review status: criteria provided, multiple submitters, no conflicts (2 of 4 stars). 2 submissions from 2 submitters: Uncertain significance (2). Last evaluated 2026-06-17.

Conditions:
Inborn genetic diseases. Identifiers: MedGen C0950123, MeSH D030342.

Allele frequency attached by ClinVar (database versions not stated): TOPMed below 0.00001; gnomAD 0.00001.
gnomAD v4.1: 4 of 1,569,366 alleles (0.00025%); highest among the groups gnomAD compares: Non-Finnish European, 0.00035%; no homozygotes.

Submissions (2):

Ambry Genetics
Classification: Uncertain significance for Inborn genetic diseases. Last evaluated: 2026-06-17. Review status: criteria provided, single submitter. Criteria: Ambry Variant Classification Scheme 2023. Collection method: clinical testing. Allele origin: germline.

Women's Health and Genetics/Laboratory Corporation of America, LabCorp
Classification: Uncertain significance. Last evaluated: 2025-07-07. Review status: criteria provided, single submitter. Criteria: LabCorp Variant Classification Summary - May 2015. Collection method: clinical testing. Allele origin: germline.
Comment: Variant summary: UBTF c.1309C>G (p.Leu437Val) results in a conservative amino acid change in the encoded protein sequence. Algorithms developed to predict the effect of missense changes on protein structure and function are either unavailable or do not agree on the potential impact of this missense change. The variant allele was found at a frequency of 1.2e-05 in 172900 control chromosomes. The available data on variant occurrences in the general population are insufficient to allow any conclusion about variant significance. To our knowledge, no occurrence of c.1309C>G in individuals affected with Childhood-Onset Motor And Cognitive Regression Syndrome With Extrapyramidal Movement Disorder and no experimental evidence demonstrating its impact on protein function have been reported. ClinVar contains an entry for this variant (Variation ID: 2326438). Based on the evidence outlined above, the variant was classified as uncertain significance.